The following is an entry in ClinVar:

ClinVar aggregate classification (germline): Uncertain significance (1 of 4 stars; one submission).

Conditions:
Muscular dystrophy-dystroglycanopathy (congenital with brain and eye anomalies), type A, 7. Also called: WALKER-WARBURG SYNDROME OR MUSCLE-EYE-BRAIN DISEASE, ISPD-RELATED; Congenital muscular dystrophy-dystroglycanopathy with brain and eye anomalies, type A7. Identifiers: Orphanet 899, MedGen C3553330, MONDO:0013835, OMIM 614643.
Autosomal recessive limb-girdle muscular dystrophy type 2U. Also called: Muscular dystrophy-dystroglycanopathy (limb-girdle), type c, 7; MUSCULAR DYSTROPHY, LIMB-GIRDLE, TYPE 2U. Identifiers: Orphanet 352479, MedGen C5190987, MONDO:0014474, OMIM 616052.

Submission:

Labcorp Genetics (formerly Invitae), Labcorp
Classification: Uncertain significance for Muscular dystrophy-dystroglycanopathy (congenital with brain and eye anomalies), type A, 7; Autosomal recessive limb-girdle muscular dystrophy type 2U. Last evaluated: 2022-07-12. Review status: criteria provided, single submitter. Criteria: Invitae Variant Classification Sherloc (09022015). Collection method: clinical testing. Allele origin: germline.
Comment: In summary, the available evidence is currently insufficient to determine the role of this variant in disease. Therefore, it has been classified as a Variant of Uncertain Significance. Experimental studies and prediction algorithms are not available or were not evaluated, and the effect of this variant on mRNA splicing is currently unknown. This variant has not been reported in the literature in individuals affected with ISPD-related conditions. Information on the frequency of this variant in the gnomAD database is not available, as this variant may be reported differently in the database. This sequence change falls in intron 4 of the ISPD gene. It does not directly change the encoded amino acid sequence of the ISPD protein.

NM_001101426.4(CRPPA):c.789+89_789+90delinsGA

Gene: CRPPA (CDP-L-ribitol pyrophosphorylase A; minus strand). Cytogenetic location: 7p21.2.
Variant type: Indel.
Coding change: c.789+89_789+90delinsGA on transcript NM_001101426.4 (MANE Select); bases 89 to 90 of the intron after coding-DNA position 789, AG replaced by GA.
Molecular consequence: intron variant.
Genome position (GRCh38, 1-based): chr7:16,308,433-16,308,434, CT replaced by TC on the plus strand (AG replaced by GA on the coding strand, the reverse complement: CRPPA is on the minus strand). VCF-style: chr7-16308433-CT-TC. GRCh37 (hg19) VCF-style: chr7-16348058-CT-TC.
Other names: c.639+89_639+90delinsGA (NM_001101417.4); c.685-6968_685-6967delinsGA (NM_001368197.1).
Identifiers: ClinVar variation 2194198 (VCV002194198.2), dbSNP rs2546675048, ClinGen allele CA2580076889.